The following is an entry in ClinVar:

ClinVar aggregate classification (germline): Likely benign. Review status: criteria provided, multiple submitters, no conflicts (2 of 4 stars). 2 submissions from 2 submitters: Likely benign (2). Last evaluated 2018-01-12.

Conditions:
Myoglobinuria, acute recurrent, autosomal recessive. Also called: MYOGLOBINURIA, FAMILIAL PAROXYSMAL PARALYTIC; RHABDOMYOLYSIS, ACUTE RECURRENT; Myoglobinuria, recurrent, autosomal recessive. Identifiers: Orphanet 99845, MedGen C1849386, MONDO:0009992, OMIM 268200.

Allele frequency attached by ClinVar (database versions not stated): 1000 Genomes Project 0.00060; 1000 Genomes Project 30x 0.00062; TOPMed 0.00086; gnomAD 0.00109 and 0.00112; gnomAD exomes 0.00962.
gnomAD v4.1: 170 of 152,548 alleles (0.11%); highest among the groups gnomAD compares: Middle Eastern, 0.68%; no homozygotes.

Submissions (2):

Illumina Laboratory Services, Illumina
Classification: Likely benign for Myoglobinuria, acute recurrent, autosomal recessive. Last evaluated: 2018-01-12. Review status: criteria provided, single submitter. Criteria: ICSL Variant Classification Criteria 13 December 2019. Collection method: clinical testing. Allele origin: germline.
Comment: This variant was observed in the ICSL laboratory as part of a predisposition screen in an ostensibly healthy population. It had not been previously curated by ICSL or reported in the Human Gene Mutation Database (HGMD: prior to June 1st, 2018), and was therefore a candidate for classification through an automated scoring system. Utilizing variant allele frequency, disease prevalence and penetrance estimates, and inheritance mode, an automated score was calculated to assess if this variant is too frequent to cause the disease. Based on the score and internal cut-off values, a variant classified as likely benign is not then subjected to further curation. The score for this variant resulted in a classification of likely benign for this disease.

Breakthrough Genomics
Classification: Likely benign. Review status: criteria provided, single submitter. Criteria: ACMG Guidelines, 2015. Collection method: not provided. Allele origin: germline. Inheritance: Autosomal recessive inheritance. Affected: yes.

NM_001349206.2(LPIN1):c.*2082C>T

Gene: LPIN1 (lipin 1; plus strand). Cytogenetic location: 2p25.1.
Variant type: single nucleotide variant.
Coding change: c.*2082C>T on transcript NM_001349206.2 (MANE Select); 2082 bases downstream of the stop codon, C replaced by T.
Molecular consequence: 3 prime UTR variant. On other transcripts: non-coding transcript variant (1).
Genome position (GRCh38, 1-based): chr2:11,826,873, C>T. VCF-style: chr2-11826873-C-T. GRCh37 (hg19) VCF-style: chr2-11966999-C-T.
Other names: c.*2082C>T (NM_001261427.3, NM_001261428.3, NM_001349199.2 and 9 more transcripts).
Identifiers: ClinVar variation 330952 (VCV000330952.6), dbSNP rs182433960, ClinGen allele CA10611941.